The following is an entry in ClinVar:

ClinVar aggregate classification (germline): Pathogenic. Review status: reviewed by expert panel (3 of 4 stars). 3 submissions from 3 submitters: Pathogenic (1). 2 of the submissions do not count toward it. Last evaluated 2016-09-08.

Conditions:
Hereditary cancer-predisposing syndrome. Also called: Tumor predisposition; Neoplastic Syndromes, Hereditary; Hereditary Cancer Syndrome; Hereditary neoplastic syndrome. Identifiers: Orphanet 140162, MedGen C0027672, MeSH D009386, MONDO:0015356.
Breast-ovarian cancer, familial, susceptibility to, 1 (BROVCA1). Also called: OVARIAN CANCER, SUSCEPTIBILITY TO; BRCA1 Hereditary Breast and Ovarian Cancer. Identifiers: Orphanet 145, MedGen C2676676, MONDO:0011450, OMIM 604370. Disease mechanism: loss of function.

Submissions (3):

Evidence-based Network for the Interpretation of Germline Mutant Alleles (ENIGMA)
Classification: Pathogenic for Breast-ovarian cancer, familial, susceptibility to, 1. Last evaluated: 2016-09-08. Review status: reviewed by expert panel. Criteria: ENIGMA BRCA1/2 Classification Criteria (2015). Collection method: curation. Allele origin: germline.
Comment: Variant allele predicted to encode a truncated non-functional protein.

Ambry Genetics
Classification: Pathogenic for Hereditary cancer-predisposing syndrome. Last evaluated: 2023-11-13. Review status: criteria provided, single submitter. Criteria: Ambry Variant Classification Scheme 2023. Collection method: clinical testing. Allele origin: germline. Not counted in ClinVar's aggregate classification.
Comment: The c.2202delA pathogenic mutation, located in coding exon 9 of the BRCA1 gene, results from a deletion of one nucleotide at nucleotide position 2202, causing a translational frameshift with a predicted alternate stop codon (p.K734Nfs*2). This variant is considered to be rare based on population cohorts in the Genome Aggregation Database (gnomAD). This alteration is expected to result in loss of function by premature protein truncation or nonsense-mediated mRNA decay. As such, this alteration is interpreted as a disease-causing mutation.

Breast Cancer Information Core (BIC) (BRCA1)
Classification: Pathogenic for Breast-ovarian cancer, familial 1. Last evaluated: 1999-06-22. Review status: no assertion criteria provided. Collection method: clinical testing. Allele origin: germline. Affected: yes. Observed: 1 variant allele. Not counted in ClinVar's aggregate classification.

NM_007294.4(BRCA1):c.2202del (p.Lys734fs)

Gene: BRCA1 (BRCA1 DNA repair associated; minus strand). Cytogenetic location: 17q21.31.
Variant type: Deletion.
Coding change: c.2202del on transcript NM_007294.4 (MANE Select); coding-DNA position 2202, one base deleted (A; older notation c.2202delA).
Protein change: p.Lys734fs; shifts the reading frame from lysine 734.
Molecular consequence: frameshift variant. On other transcripts: intron variant (137).
Genome position (GRCh38, 1-based): chr17:43,093,329, T deleted on the plus strand (A on the coding strand, the reverse complement: BRCA1 is on the minus strand); the first of 3 consecutive T bases (chr17:43,093,329-43,093,331); deleting any one gives the same sequence. VCF-style (leftmost placement, unchanged base first): chr17-43093328-GT-G. GRCh37 (hg19) VCF-style: chr17-41245345-GT-G.
Other names: 2321delA; c.2202delA (NM_007294.3); c.2199del, p.Lys733fs (NM_001407635.1, NM_001407636.1, NM_001407637.1 and 22 more transcripts); c.2202del, p.Lys734fs (NM_001407639.1, NM_001407640.1, NM_001407641.1 and 30 more transcripts); c.2193del, p.Lys731fs (NM_001407646.1, NM_001407647.1); c.2079del, p.Lys693fs (NM_001407648.1, NM_001407664.1, NM_001407665.1 and 19 more transcripts); c.2076del, p.Lys692fs (NM_001407649.1, NM_001407670.1, NM_001407671.1 and 11 more transcripts); c.2124del, p.Lys708fs (NM_001407653.1, NM_001407654.1, NM_001407655.1 and 4 more transcripts); and 43 more; short protein forms K734fs, K687fs, K438fs, K607fs, K623fs, K645fs, K666fs, K667fs.
Identifiers: ClinVar variation 54496 (VCV000054496.5), dbSNP rs80357982, ClinGen allele CA001471.